The following is an entry in ClinVar:

ClinVar aggregate classification (germline): Pathogenic. Review status: criteria provided, single submitter (1 of 4 stars). 2 submissions from 2 submitters: Pathogenic (1). 1 of the submissions does not count toward it. Last evaluated 2024-10-24.

Conditions:
Hydrocephalus, nonsyndromic, autosomal recessive 2. Also called: Hydrocephalus, congenital, 2, with or without brain or eye anomalies. Identifiers: Orphanet 2185, MedGen C3554691, MONDO:0014085, OMIM 615219.

Submissions (2):

Labcorp Genetics (formerly Invitae), Labcorp
Classification: Pathogenic. Last evaluated: 2024-10-24. Review status: criteria provided, single submitter. Criteria: Invitae Variant Classification Sherloc (09022015). Collection method: clinical testing. Allele origin: germline.
Comment: This sequence change creates a premature translational stop signal (p.Leu501Phefs*13) in the MPDZ gene. It is expected to result in an absent or disrupted protein product. Loss-of-function variants in MPDZ are known to be pathogenic (PMID: 23240096, 28556411). This variant is not present in population databases (gnomAD no frequency). This variant has not been reported in the literature in individuals affected with MPDZ-related conditions. ClinVar contains an entry for this variant (Variation ID: 993002). For these reasons, this variant has been classified as Pathogenic.

Biochemical Molecular Genetic Laboratory, King Abdulaziz Medical City
Classification: Likely pathogenic for Hydrocephalus, nonsyndromic, autosomal recessive 2. Last evaluated: 2020-09-10. Review status: no assertion criteria provided. Collection method: clinical testing. Allele origin: germline. Affected: yes. Not counted in ClinVar's aggregate classification.

Literature cited by the submitters: PubMed 23240096 (cited by Labcorp Genetics (formerly Invitae), Labcorp); PubMed 28556411 (cited by Labcorp Genetics (formerly Invitae), Labcorp).

NM_001378778.1(MPDZ):c.1502dup (p.Leu501fs)

Gene: MPDZ (multiple PDZ domain crumbs cell polarity complex component; minus strand). Cytogenetic location: 9p23.
Variant type: Duplication.
Coding change: c.1502dup on transcript NM_001378778.1 (MANE Select); coding-DNA position 1502, one base duplicated (T; older notation c.1502dupT).
Protein change: p.Leu501fs; shifts the reading frame from leucine 501.
Molecular consequence: frameshift variant.
Genome position (GRCh38, 1-based): chr9:13,205,080, A duplicated on the plus strand (T on the coding strand, the reverse complement: MPDZ is on the minus strand); the first of 6 consecutive A bases (chr9:13,205,080-13,205,085); duplicating any one gives the same sequence. VCF-style (leftmost placement, unchanged base first): chr9-13205079-T-TA. GRCh37 (hg19) VCF-style: chr9-13205078-T-TA.
Other names: c.1502dup, p.Leu501fs (NM_001375417.1, NM_001375418.1, NM_001375419.1 and 14 more transcripts); short protein forms L501fs.
Identifiers: ClinVar variation 993002 (VCV000993002.6), dbSNP rs1956840371, ClinGen allele CA1139660884.